The following is an entry in ClinVar:

ClinVar aggregate classification (germline): Likely pathogenic (1 of 4 stars; one submission).

Conditions:
Ehlers-Danlos syndrome, classic type (cEDS). Identifiers: Orphanet 287, MedGen C4225429, MONDO:0007522.

Submission:

Labcorp Genetics (formerly Invitae), Labcorp
Classification: Likely pathogenic for Ehlers-Danlos syndrome, type 1. Last evaluated: 2019-11-27. Review status: criteria provided, single submitter. Criteria: Invitae Variant Classification Sherloc (09022015). Collection method: clinical testing. Allele origin: germline.
Comment: This sequence change replaces glycine with arginine at codon 396 of the COL5A2 protein (p.Gly396Arg). The glycine residue is highly conserved and there is a moderate physicochemical difference between glycine and arginine. This variant is not present in population databases (ExAC no frequency). This variant has been observed in individual(s) with clinical features of Ehlers-Danlos syndrome (PMID: 22696272, Invitae). In at least one individual the variant was observed to be de novo. Algorithms developed to predict the effect of missense changes on protein structure and function (SIFT, PolyPhen-2, Align-GVGD) all suggest that this variant is likely to be disruptive, but these predictions have not been confirmed by published functional studies and their clinical significance is uncertain. In summary, the currently available evidence indicates that the variant is pathogenic, but additional data are needed to prove that conclusively. Therefore, this variant has been classified as Likely Pathogenic.

Literature cited by the submitters: PubMed 22696272.

NM_000393.5(COL5A2):c.1186G>C (p.Gly396Arg)

Gene: COL5A2 (collagen type V alpha 2 chain; minus strand). Cytogenetic location: 2q32.2.
Variant type: single nucleotide variant.
Coding change: c.1186G>C on transcript NM_000393.5 (MANE Select); coding-DNA position 1186, G replaced by C.
Protein change: p.Gly396Arg; replaces glycine 396 with arginine.
Molecular consequence: missense variant.
Genome position (GRCh38, 1-based): chr2:189,068,857, C>G on the plus strand (G>C on the coding strand, the complement: COL5A2 is on the minus strand). VCF-style: chr2-189068857-C-G. GRCh37 (hg19) VCF-style: chr2-189933583-C-G.
Other names: short protein forms G396R.
Identifiers: ClinVar variation 863938 (VCV000863938.3), dbSNP rs1686209873, ClinGen allele CA349853794.